The following is an entry in ClinVar:

ClinVar aggregate classification (germline): Uncertain significance. Review status: criteria provided, multiple submitters, no conflicts (2 of 4 stars). 2 submissions from 2 submitters: Uncertain significance (2). Last evaluated 2024-06-13.

Conditions:
Hereditary spastic paraplegia. Also called: Familial spastic paraparesis. Identifiers: Orphanet 685, MedGen C0037773, MONDO:0019064. Disease mechanism: loss of function.
Charcot-Marie-Tooth disease type 2. Also called: Charcot-Marie-Tooth type 2. Identifiers: Orphanet 64746, MedGen C0270914, MONDO:0018993.

gnomAD v4.1: 1 of 1,614,132 alleles (0.000062%); no homozygotes.

Submissions (2):

Labcorp Genetics (formerly Invitae), Labcorp
Classification: Uncertain significance for Charcot-Marie-Tooth disease type 2. Last evaluated: 2024-06-13. Review status: criteria provided, single submitter. Criteria: Invitae Variant Classification Sherloc (09022015). Collection method: clinical testing. Allele origin: germline.
Comment: This sequence change replaces arginine, which is basic and polar, with leucine, which is neutral and non-polar, at codon 206 of the BSCL2 protein (p.Arg206Leu). This variant is present in population databases (no rsID available, gnomAD no frequency). This missense change has been observed in individual(s) with hereditary spastic paraplegia (PMID: 28832565). This variant is also known as c.809G>T (p.Arg270Leu). ClinVar contains an entry for this variant (Variation ID: 424667). Advanced modeling of protein sequence and biophysical properties (such as structural, functional, and spatial information, amino acid conservation, physicochemical variation, residue mobility, and thermodynamic stability) performed at Invitae indicates that this missense variant is expected to disrupt BSCL2 protein function with a positive predictive value of 80%. In summary, the available evidence is currently insufficient to determine the role of this variant in disease. Therefore, it has been classified as a Variant of Uncertain Significance.

Unit for Genetic & Epidemiological Research on Neurological Disorders, Instituto de Investigação e Inovação em Saúde
Classification: Uncertain significance for Hereditary spastic paraplegia. Last evaluated: 2017-03-07. Review status: criteria provided, single submitter. Criteria: Morais et al. (Eur J Hum Genet. 2017). Collection method: research. Allele origin: inherited. Affected: yes.

Literature cited by the submitters: PubMed 28832565 (cited by Labcorp Genetics (formerly Invitae), Labcorp).

NM_001122955.4(BSCL2):c.809G>T (p.Arg270Leu)

Genes: HNRNPUL2-BSCL2 (HNRNPUL2-BSCL2 readthrough (NMD candidate); minus strand), BSCL2 (BSCL2 lipid droplet biogenesis associated, seipin; minus strand). Cytogenetic location: 11q12.3.
Variant type: single nucleotide variant.
Coding change: c.809G>T on transcript NM_001122955.4 (MANE Select); coding-DNA position 809, G replaced by T.
Protein change: p.Arg270Leu; replaces arginine 270 with leucine.
Molecular consequence: missense variant. On other transcripts: non-coding transcript variant (1).
Genome position (GRCh38, 1-based): chr11:62,692,430, C>A on the plus strand (G>T on the coding strand, the complement: BSCL2 is on the minus strand). VCF-style: chr11-62692430-C-A. GRCh37 (hg19) VCF-style: chr11-62459902-C-A.
Other names: c.617G>T, p.Arg206Leu (NM_001130702.2, NM_032667.6); c.809G>T, p.Arg270Leu (NM_001386027.1, NM_001386028.1); short protein forms R206L, R270L.
Identifiers: ClinVar variation 424667 (VCV000424667.3), dbSNP rs763884653, ClinGen allele CA380962143.